The following is an entry in ClinVar:

NM_021956.5(GRIK2):c.2522A>T (p.Glu841Val)

Gene: GRIK2 (glutamate ionotropic receptor kainate type subunit 2; plus strand). Cytogenetic location: 6q16.3.
Variant type: single nucleotide variant.
Coding change: c.2522A>T on transcript NM_021956.5 (MANE Select); coding-DNA position 2522, A replaced by T.
Protein change: p.Glu841Val; replaces glutamic acid 841 with valine.
Molecular consequence: missense variant.
Genome position (GRCh38, 1-based): chr6:102,055,540, A>T. VCF-style: chr6-102055540-A-T. GRCh37 (hg19) VCF-style: chr6-102503415-A-T.
Other names: c.2522A>T, p.Glu841Val (NM_001166247.1, NM_175768.3); short protein forms E841V.
Identifiers: ClinVar variation 3253019 (VCV003253019.1), dbSNP rs2485417642.

ClinVar aggregate classification (germline): Uncertain significance (1 of 4 stars; one submission).

Submission:

GeneDx
Classification: Uncertain significance. Last evaluated: 2023-12-15. Review status: criteria provided, single submitter. Criteria: GeneDx Variant Classification Process June 2021. Collection method: clinical testing. Allele origin: germline. Affected: yes.
Comment: Has not been previously published as pathogenic or benign to our knowledge; Not observed at significant frequency in large population cohorts (gnomAD); In silico analysis supports that this missense variant has a deleterious effect on protein structure/function